The following is an entry in ClinVar:

NM_004448.4(ERBB2):c.776A>G (p.Asn259Ser)

Gene: ERBB2 (erb-b2 receptor tyrosine kinase 2; plus strand). Cytogenetic location: 17q12.
Variant type: single nucleotide variant.
Coding change: c.776A>G on transcript NM_004448.4 (MANE Select); coding-DNA position 776, A replaced by G.
Protein change: p.Asn259Ser; replaces asparagine 259 with serine.
Molecular consequence: missense variant. On other transcripts: non-coding transcript variant (1), intron variant (2).
Genome position (GRCh38, 1-based): chr17:39,710,356, A>G. VCF-style: chr17-39710356-A-G. GRCh37 (hg19) VCF-style: chr17-37866609-A-G.
Other names: c.686A>G, p.Asn229Ser (NM_001005862.3, NM_001289938.2, NM_001382782.1 and 1 more transcripts); c.731A>G, p.Asn244Ser (NM_001289936.2); c.776A>G, p.Asn259Ser (NM_001289937.2, NM_001382784.1, NM_001382785.1 and 16 more transcripts); c.851A>G, p.Asn284Ser (NM_001382787.1); c.767A>G, p.Asn256Ser (NM_001382791.1); c.596A>G, p.Asn199Ser (NM_001382799.1); c.643+475A>G (NM_001382802.1); c.74-1572A>G (NM_001382804.1); short protein forms N259S, N284S, N199S, N256S, N229S, N244S.
Identifiers: ClinVar variation 1426723 (VCV001426723.6), dbSNP rs769870618, ClinGen allele CA8533732.

ClinVar aggregate classification (germline): Uncertain significance (1 of 4 stars; one submission).

Allele frequency attached by ClinVar (database versions not stated): gnomAD 0.00001; gnomAD exomes 0.00001; TOPMed 0.00001; ExAC 0.00002.
gnomAD v4.1: 20 of 1,613,950 alleles (0.0012%); highest among the groups gnomAD compares: South Asian, 0.0022%; no homozygotes.

Submission:

Labcorp Genetics (formerly Invitae), Labcorp
Classification: Uncertain significance. Last evaluated: 2021-12-11. Review status: criteria provided, single submitter. Criteria: Invitae Variant Classification Sherloc (09022015). Collection method: clinical testing. Allele origin: germline.
Comment: In summary, the available evidence is currently insufficient to determine the role of this variant in disease. Therefore, it has been classified as a Variant of Uncertain Significance. Algorithms developed to predict the effect of sequence changes on RNA splicing suggest that this variant may create or strengthen a splice site. Algorithms developed to predict the effect of missense changes on protein structure and function are either unavailable or do not agree on the potential impact of this missense change (SIFT: "Tolerated"; PolyPhen-2: "Probably Damaging"; Align-GVGD: "Class C0"). This variant has not been reported in the literature in individuals affected with ERBB2-related conditions. This variant is present in population databases (rs769870618, gnomAD 0.003%). This sequence change replaces asparagine, which is neutral and polar, with serine, which is neutral and polar, at codon 259 of the ERBB2 protein (p.Asn259Ser).